The following is an entry in ClinVar:

ClinVar aggregate classification (germline): Uncertain significance. Review status: criteria provided, multiple submitters, no conflicts (2 of 4 stars). 2 submissions from 2 submitters: Uncertain significance (2). Last evaluated 2025-09-15.

gnomAD v4.1: 2 of 1,613,990 alleles (0.00012%); highest among the groups gnomAD compares: Non-Finnish European, 0.00017%; no homozygotes.

Submissions (2):

Labcorp Genetics (formerly Invitae), Labcorp
Classification: Uncertain significance. Last evaluated: 2025-09-15. Review status: criteria provided, single submitter. Criteria: Invitae Variant Classification Sherloc (09022015). Collection method: clinical testing. Allele origin: germline.
Comment: This sequence change replaces valine, which is neutral and non-polar, with leucine, which is neutral and non-polar, at codon 820 of the BACH2 protein (p.Val820Leu). The frequency data for this variant in the population databases is considered unreliable, as metrics indicate poor data quality at this position in the gnomAD database. This variant has not been reported in the literature in individuals affected with BACH2-related conditions. ClinVar contains an entry for this variant (Variation ID: 2279751). Invitae Evidence Modeling of protein sequence and biophysical properties (such as structural, functional, and spatial information, amino acid conservation, physicochemical variation, residue mobility, and thermodynamic stability) indicates that this missense variant is not expected to disrupt BACH2 protein function with a negative predictive value of 80%. In summary, the available evidence is currently insufficient to determine the role of this variant in disease. Therefore, it has been classified as a Variant of Uncertain Significance.

Ambry Genetics
Classification: Uncertain significance. Last evaluated: 2022-03-23. Review status: criteria provided, single submitter. Criteria: Ambry Variant Classification Scheme 2023. Collection method: clinical testing. Allele origin: germline.

NM_021813.4(BACH2):c.2458G>C (p.Val820Leu)

Gene: BACH2 (BACH transcriptional regulator 2; minus strand). Cytogenetic location: 6q15.
Variant type: single nucleotide variant.
Coding change: c.2458G>C on transcript NM_021813.4 (MANE Select); coding-DNA position 2458, G replaced by C.
Protein change: p.Val820Leu; replaces valine 820 with leucine.
Molecular consequence: missense variant.
Genome position (GRCh38, 1-based): chr6:89,932,476, C>G on the plus strand (G>C on the coding strand, the complement: BACH2 is on the minus strand). VCF-style: chr6-89932476-C-G. GRCh37 (hg19) VCF-style: chr6-90642195-C-G.
Other names: c.2458G>C, p.Val820Leu (NM_001170794.2); short protein forms V820L.
Identifiers: ClinVar variation 2279751 (VCV002279751.3), dbSNP rs142254303, ClinGen allele CA365026744.
Genomic context (GRCh38, chr6:89,932,476, plus strand): 5'-AATCTTTCCTGGGCTGTTCGTCAGTTGTACACTTATCAGTCATTTCCTGGCAGAAGTCCA[C>G]GGTCACTGTTTGGCTCCTGGGTTCAAGAGGAGGTCCTCTCTCTGAGAAGGTTCCCGGGTC-3'
Protein context (NP_068585.1, residues 810-830): PLEPRSQTVT[Val820Leu]DFCQEMTDKC